The following is an entry in ClinVar:

NM_002439.5(MSH3):c.890T>C (p.Leu297Pro)

Gene: MSH3 (mutS homolog 3; plus strand). Cytogenetic location: 5q14.1.
Variant type: single nucleotide variant.
Coding change: c.890T>C on transcript NM_002439.5 (MANE Select); coding-DNA position 890, T replaced by C.
Protein change: p.Leu297Pro; replaces leucine 297 with proline.
Molecular consequence: missense variant.
Genome position (GRCh38, 1-based): chr5:80,672,341, T>C. VCF-style: chr5-80672341-T-C. GRCh37 (hg19) VCF-style: chr5-79968160-T-C.
Other names: short protein forms L297P.
Identifiers: ClinVar variation 4860333 (VCV004860333.1).

ClinVar aggregate classification (germline): Uncertain significance (1 of 4 stars; one submission).

Conditions:
Hereditary cancer-predisposing syndrome. Also called: Neoplastic Syndromes, Hereditary; Tumor predisposition; Hereditary Cancer Syndrome; Hereditary neoplastic syndrome. Identifiers: Orphanet 140162, MedGen C0027672, MeSH D009386, MONDO:0015356.

Submission:

Ambry Genetics
Classification: Uncertain significance for Hereditary cancer-predisposing syndrome. Last evaluated: 2026-04-20. Review status: criteria provided, single submitter. Criteria: Ambry Variant Classification Scheme 2023. Collection method: clinical testing. Allele origin: germline.
Comment: The p.L297P variant (also known as c.890T>C), located in coding exon 5 of the MSH3 gene, results from a T to C substitution at nucleotide position 890. The leucine at codon 297 is replaced by proline, an amino acid with similar properties. This amino acid position is conserved. In addition, this alteration is predicted to be deleterious by in silico analysis. Based on the available evidence, the clinical significance of this variant remains unclear.